The following is an entry in ClinVar:

NM_000812.4(GABRB1):c.1324G>A (p.Asp442Asn)

Gene: GABRB1 (gamma-aminobutyric acid type A receptor subunit beta1; plus strand). Cytogenetic location: 4p12.
Variant type: single nucleotide variant.
Coding change: c.1324G>A on transcript NM_000812.4 (MANE Select); coding-DNA position 1324, G replaced by A.
Protein change: p.Asp442Asn; replaces aspartic acid 442 with asparagine.
Molecular consequence: missense variant.
Genome position (GRCh38, 1-based): chr4:47,425,917, G>A. VCF-style: chr4-47425917-G-A. GRCh37 (hg19) VCF-style: chr4-47427934-G-A.
Other names: short protein forms D442N.
Identifiers: ClinVar variation 3365341 (VCV003365341.1).

ClinVar aggregate classification (germline): Uncertain significance (1 of 4 stars; one submission).

gnomAD v4.1: 2 of 1,614,098 alleles (0.00012%); highest among the groups gnomAD compares: Non-Finnish European, 0.00017%; no homozygotes.

Submission:

GeneDx
Classification: Uncertain significance. Last evaluated: 2023-12-07. Review status: criteria provided, single submitter. Criteria: GeneDx Variant Classification Process June 2021. Collection method: clinical testing. Allele origin: germline. Affected: yes.
Comment: Not observed at significant frequency in large population cohorts (gnomAD); In silico analysis supports that this missense variant does not alter protein structure/function; Has not been previously published as pathogenic or benign to our knowledge